The following is an entry in ClinVar:

ClinVar aggregate classification (germline): Uncertain significance. Review status: criteria provided, multiple submitters, no conflicts (2 of 4 stars). 2 submissions from 2 submitters: Uncertain significance (2). Last evaluated 2025-05-29.

Allele frequency attached by ClinVar (database versions not stated): gnomAD exomes below 0.00001.
gnomAD v4.1: 1 of 1,613,994 alleles (0.000062%); highest among the groups gnomAD compares: South Asian, 0.0011%; no homozygotes.

Submissions (2):

GeneDx
Classification: Uncertain significance. Last evaluated: 2025-05-29. Review status: criteria provided, single submitter. Criteria: GeneDx Variant Classification Process June 2021. Collection method: clinical testing. Allele origin: germline. Affected: yes.
Comment: Not observed at significant frequency in large population cohorts (gnomAD); In silico analysis suggests that this missense variant does not alter protein structure/function; Has not been previously published as pathogenic or benign to our knowledge

Labcorp Genetics (formerly Invitae), Labcorp
Classification: Uncertain significance. Last evaluated: 2022-04-12. Review status: criteria provided, single submitter. Criteria: Invitae Variant Classification Sherloc (09022015). Collection method: clinical testing. Allele origin: germline.
Comment: In summary, the available evidence is currently insufficient to determine the role of this variant in disease. Therefore, it has been classified as a Variant of Uncertain Significance. Algorithms developed to predict the effect of missense changes on protein structure and function (SIFT, PolyPhen-2, Align-GVGD) all suggest that this variant is likely to be tolerated. This variant has not been reported in the literature in individuals affected with KMT2E-related conditions. This variant is not present in population databases (gnomAD no frequency). This sequence change replaces histidine, which is basic and polar, with tyrosine, which is neutral and polar, at codon 1732 of the KMT2E protein (p.His1732Tyr).

NM_182931.3(KMT2E):c.5194C>T (p.His1732Tyr)

Gene: KMT2E (lysine methyltransferase 2E (inactive); plus strand). Cytogenetic location: 7q22.3.
Variant type: single nucleotide variant.
Coding change: c.5194C>T on transcript NM_182931.3 (MANE Select); coding-DNA position 5194, C replaced by T.
Protein change: p.His1732Tyr; replaces histidine 1732 with tyrosine.
Molecular consequence: missense variant.
Genome position (GRCh38, 1-based): chr7:105,112,950, C>T. VCF-style: chr7-105112950-C-T. GRCh37 (hg19) VCF-style: chr7-104753397-C-T.
Other names: c.5194C>T (NM_182931.2); c.5068C>T, p.His1690Tyr (NM_001410908.1); c.5194C>T, p.His1732Tyr (NM_018682.4); short protein forms H1690Y, H1732Y.
Identifiers: ClinVar variation 2124586 (VCV002124586.5), dbSNP rs2536528218, ClinGen allele CA368794545.